The following is an entry in ClinVar:

NM_000038.6(APC):c.4502del (p.Ser1501fs)

Gene: APC (APC regulator of Wnt signaling pathway; plus strand). Cytogenetic location: 5q22.2.
Variant type: Deletion.
Coding change: c.4502del on transcript NM_000038.6 (MANE Select); coding-DNA position 4502, one base deleted (C; older notation c.4502delC).
Protein change: p.Ser1501fs; shifts the reading frame from serine 1501.
Molecular consequence: frameshift variant. On other transcripts: non-coding transcript variant (2).
Genome position (GRCh38, 1-based): chr5:112,840,096, C deleted. VCF-style (leftmost placement, unchanged base first): chr5-112840095-TC-T. GRCh37 (hg19) VCF-style: chr5-112175792-TC-T.
Other names: c.3653del, p.Ser1218fs (NM_001407470.1, NM_001354906.2); c.3350del, p.Ser1117fs (NM_001407471.1, NM_001407472.1); c.4502del, p.Ser1501fs (NM_001127510.3, NM_001354895.2, NM_001407450.1); c.4448del, p.Ser1483fs (NM_001127511.3); c.4556del, p.Ser1519fs (NM_001354896.2, NM_001407447.1, NM_001407448.1 and 1 more transcripts); c.4532del, p.Ser1511fs (NM_001354897.2); c.4427del, p.Ser1476fs (NM_001354898.2); c.4418del, p.Ser1473fs (NM_001354899.2); and 11 more; short protein forms S1117fs, S1218fs, S1341fs, S1372fs, S1375fs, S1400fs, S1410fs, S1418fs.
Identifiers: ClinVar variation 2583782 (VCV002583782.1), dbSNP rs2533579329, ClinGen allele CA2582341308.

ClinVar aggregate classification (germline): Pathogenic (1 of 4 stars; one submission).

Conditions:
Familial adenomatous polyposis 1 (FAP1). Also called: FAMILIAL ADENOMATOUS POLYPOSIS 1, ATTENUATED; POLYPOSIS, ADENOMATOUS INTESTINAL. Identifiers: MedGen C2713442, MONDO:0021056, OMIM 175100. Disease mechanism: loss of function.

Submission:

Myriad Genetics, Inc.
Classification: Pathogenic for Familial adenomatous polyposis 1. Last evaluated: 2023-05-11. Review status: criteria provided, single submitter. Criteria: Myriad Autosomal Dominant, Autosomal Recessive and X-Linked Classification Criteria (2023). Collection method: clinical testing. Allele origin: unknown.
Comment: This variant is considered pathogenic. This variant creates a frameshift predicted to result in premature protein truncation.